The following is an entry in ClinVar:

NM_138295.5(PKD1L1):c.2389T>C (p.Ser797Pro)

Gene: PKD1L1 (polycystin 1 like 1, transient receptor potential channel interacting; minus strand). Cytogenetic location: 7p12.3.
Variant type: single nucleotide variant.
Coding change: c.2389T>C on transcript NM_138295.5 (MANE Select); coding-DNA position 2389, T replaced by C.
Protein change: p.Ser797Pro; replaces serine 797 with proline.
Molecular consequence: missense variant.
Genome position (GRCh38, 1-based): chr7:47,893,942, A>G on the plus strand (T>C on the coding strand, the complement: PKD1L1 is on the minus strand). VCF-style: chr7-47893942-A-G. GRCh37 (hg19) VCF-style: chr7-47933539-A-G.
Other names: short protein forms S797P.
Identifiers: ClinVar variation 4829277 (VCV004829277.2).

ClinVar aggregate classification (germline): Uncertain significance. Review status: criteria provided, multiple submitters, no conflicts (2 of 4 stars). 2 submissions from 2 submitters: Uncertain significance (2). Last evaluated 2025-12-16.

Conditions:
PKD1L1-related disorder. Also called: PKD1L1-related condition.
Inborn genetic diseases. Identifiers: MedGen C0950123, MeSH D030342.

gnomAD v4.1: 15 of 1,614,052 alleles (0.00093%); highest among the groups gnomAD compares: Non-Finnish European, 0.0013%; no homozygotes.

Submissions (2):

Ambry Genetics
Classification: Uncertain significance for Inborn genetic diseases. Last evaluated: 2025-12-16. Review status: criteria provided, single submitter. Criteria: Ambry Variant Classification Scheme 2023. Collection method: clinical testing. Allele origin: germline.

PreventionGenetics, part of Exact Sciences
Classification: Uncertain significance for PKD1L1-related condition. Last evaluated: 2025-10-11. Review status: criteria provided, single submitter. Criteria: ACMG Guidelines, 2015. Collection method: clinical testing. Allele origin: germline.
Comment: The PKD1L1 c.2389T>C variant is predicted to result in the amino acid substitution p.Ser797Pro. To our knowledge, this variant has not been reported in the literature. This variant is reported in 0.0018% of alleles in individuals of European (Non-Finnish) descent in gnomAD. At this time, the clinical significance of this variant is uncertain due to the absence of conclusive functional and genetic evidence.